The following is an entry in ClinVar:

NM_180989.6(GPR180):c.1049G>A (p.Ser350Asn)

Gene: GPR180 (G protein-coupled receptor 180; plus strand). Cytogenetic location: 13q32.1.
Variant type: single nucleotide variant.
Coding change: c.1049G>A on transcript NM_180989.6 (MANE Select); coding-DNA position 1049, G replaced by A.
Protein change: p.Ser350Asn; replaces serine 350 with asparagine.
Molecular consequence: missense variant.
Genome position (GRCh38, 1-based): chr13:94,623,263, G>A. VCF-style: chr13-94623263-G-A. GRCh37 (hg19) VCF-style: chr13-95275517-G-A.
Other names: short protein forms S350N.
Identifiers: ClinVar variation 3050358 (VCV003050358.2), dbSNP rs138194098, ClinGen allele CA7018520.

ClinVar aggregate classification (germline): Benign (0 of 4 stars; one submission).

Conditions:
GPR180-related disorder. Also called: GPR180-related condition.

Allele frequency attached by ClinVar (database versions not stated): ESP Exome Variant Server 0.00015; gnomAD exomes 0.00049; gnomAD 0.00081; TOPMed 0.00162; ExAC 0.00178; 1000 Genomes Project 0.00280; 1000 Genomes Project 30x 0.00328.
gnomAD v4.1: 829 of 1,613,658 alleles (0.051%); highest among the groups gnomAD compares: Admixed American, 1.3%; 13 homozygotes.

Submission:

PreventionGenetics, part of Exact Sciences
Classification: Benign for GPR180-related condition. Last evaluated: 2019-09-05. Review status: no assertion criteria provided. Collection method: clinical testing. Allele origin: germline.
Comment: This variant is classified as benign based on ACMG/AMP sequence variant interpretation guidelines (Richards et al. 2015 PMID: 25741868, with internal and published modifications).